The following is an entry in ClinVar:

NM_005068.3(SIM1):c.743+10C>G

Gene: SIM1 (SIM bHLH transcription factor 1; minus strand). Cytogenetic location: 6q16.3.
Variant type: single nucleotide variant.
Coding change: c.743+10C>G on transcript NM_005068.3 (MANE Select); 10 bases into the intron after coding-DNA position 743, C replaced by G.
Molecular consequence: intron variant.
Genome position (GRCh38, 1-based): chr6:100,448,469, G>C on the plus strand (C>G on the coding strand, the complement: SIM1 is on the minus strand). VCF-style: chr6-100448469-G-C. GRCh37 (hg19) VCF-style: chr6-100896345-G-C.
Other names: c.743+10C>G (NM_001374769.1).
Identifiers: ClinVar variation 354685 (VCV000354685.7), dbSNP rs886060897, ClinGen allele CA10622505.
Genomic context (GRCh38, chr6:100,448,469, plus strand): 5'-GAAATCTCTCAGTCACTAAGCAGGGCCGCCCTCAGGCTAGGAGAGGCCCTTTCCGGCCCT[G>C]CCCACCCACCTGGAGTCCAGAAAGATGAGCTTCATGTCCAGGCTGGCGCGGAACATAAAC-3'

ClinVar aggregate classification (germline): Likely benign (0 of 4 stars; one submission).

Conditions:
SIM1-related disorder. Also called: SIM1-related disorders; SIM1-related condition.

Allele frequency attached by ClinVar (database versions not stated): gnomAD 0.00001.
gnomAD v4.1: 1 of 1,612,782 alleles (0.000062%); highest among the groups gnomAD compares: Non-Finnish European, 0.000085%; no homozygotes.

Submission:

PreventionGenetics, part of Exact Sciences
Classification: Likely benign for SIM1-related condition. Last evaluated: 2019-10-07. Review status: no assertion criteria provided. Collection method: clinical testing. Allele origin: germline.
Comment: This variant is classified as likely benign based on ACMG/AMP sequence variant interpretation guidelines (Richards et al. 2015 PMID: 25741868, with internal and published modifications).